The following is an entry in ClinVar:

ClinVar aggregate classification (germline): Uncertain significance. Review status: criteria provided, multiple submitters, no conflicts (2 of 4 stars). 3 submissions from 3 submitters: Uncertain significance (3). Last evaluated 2025-08-20.

Conditions:
Congenital microvillous atrophy (DIAR2). Also called: MICROVILLUS ATROPHY, CONGENITAL; Microvillus inclusion disease; DAVIDSON DISEASE; CONGENITAL FAMILIAL PROTRACTED DIARRHEA WITH ENTEROCYTE BRUSH-BORDER ABNORMALITIES; Diarrhea 2 with microvillus atrophy, with or without cholestasis. Identifiers: Orphanet 2290, MedGen C0341306, MONDO:0009635, OMIM 251850.
Inborn genetic diseases. Identifiers: MedGen C0950123, MeSH D030342.

Allele frequency attached by ClinVar (database versions not stated): gnomAD exomes below 0.00001; ExAC 0.00001; gnomAD 0.00002; TOPMed 0.00002; ESP Exome Variant Server 0.00008.
gnomAD v4.1: 5 of 1,614,086 alleles (0.00031%); highest among the groups gnomAD compares: Non-Finnish European, 0.00042%; no homozygotes.

Submissions (3):

Ambry Genetics
Classification: Uncertain significance for Inborn genetic diseases. Last evaluated: 2025-08-20. Review status: criteria provided, single submitter. Criteria: Ambry Variant Classification Scheme 2023. Collection method: clinical testing. Allele origin: germline.

Labcorp Genetics (formerly Invitae), Labcorp
Classification: Uncertain significance. Last evaluated: 2022-08-10. Review status: criteria provided, single submitter. Criteria: Invitae Variant Classification Sherloc (09022015). Collection method: clinical testing. Allele origin: germline.
Comment: This sequence change replaces alanine, which is neutral and non-polar, with threonine, which is neutral and polar, at codon 1733 of the MYO5B protein (p.Ala1733Thr). This variant is present in population databases (rs373990722, gnomAD 0.0009%). This variant has not been reported in the literature in individuals affected with MYO5B-related conditions. ClinVar contains an entry for this variant (Variation ID: 888983). Algorithms developed to predict the effect of missense changes on protein structure and function are either unavailable or do not agree on the potential impact of this missense change (SIFT: "Deleterious"; PolyPhen-2: "Probably Damaging"; Align-GVGD: "Class C0"). In summary, the available evidence is currently insufficient to determine the role of this variant in disease. Therefore, it has been classified as a Variant of Uncertain Significance.

Illumina Laboratory Services, Illumina
Classification: Uncertain significance for Congenital microvillous atrophy. Last evaluated: 2018-01-12. Review status: criteria provided, single submitter. Criteria: ICSL Variant Classification Criteria 13 December 2019. Collection method: clinical testing. Allele origin: germline.

NM_001080467.3(MYO5B):c.5197G>A (p.Ala1733Thr)

Genes: MYO5B (myosin VB; minus strand), SNHG22 (small nucleolar RNA host gene 22; plus strand). Cytogenetic location: 18q21.1.
Variant type: single nucleotide variant.
Coding change: c.5197G>A on transcript NM_001080467.3 (MANE Select); coding-DNA position 5197, G replaced by A.
Protein change: p.Ala1733Thr; replaces alanine 1733 with threonine.
Molecular consequence: missense variant.
Genome position (GRCh38, 1-based): chr18:49,836,827, C>T on the plus strand (G>A on the coding strand, the complement: MYO5B is on the minus strand). VCF-style: chr18-49836827-C-T. GRCh37 (hg19) VCF-style: chr18-47363197-C-T.
Other names: short protein forms A1733T.
Identifiers: ClinVar variation 888983 (VCV000888983.6), dbSNP rs373990722, ClinGen allele CA8960118.